The following is an entry in ClinVar:

NM_000179.3(MSH6):c.3631C>T (p.Leu1211Phe)

Gene: MSH6 (mutS homolog 6; plus strand). Cytogenetic location: 2p16.3.
Variant type: single nucleotide variant.
Coding change: c.3631C>T on transcript NM_000179.3 (MANE Select); coding-DNA position 3631, C replaced by T.
Protein change: p.Leu1211Phe; replaces leucine 1211 with phenylalanine.
Molecular consequence: missense variant.
Genome position (GRCh38, 1-based): chr2:47,805,692, C>T. VCF-style: chr2-47805692-C-T. GRCh37 (hg19) VCF-style: chr2-48032831-C-T.
Other names: c.3241C>T, p.Leu1081Phe (NM_001281492.2); c.2725C>T, p.Leu909Phe (NM_001281493.2, NM_001281494.2); short protein forms L1081F, L1211F, L909F.
Identifiers: ClinVar variation 1470503 (VCV001470503.8), dbSNP rs2104525825, ClinGen allele CA346760606.

ClinVar aggregate classification (germline): Likely pathogenic (1 of 4 stars; one submission).

Conditions:
Hereditary nonpolyposis colorectal neoplasms. Identifiers: MedGen C0009405, MeSH D003123.

Submission:

Labcorp Genetics (formerly Invitae), Labcorp
Classification: Likely pathogenic for Hereditary nonpolyposis colorectal neoplasms. Last evaluated: 2026-01-12. Review status: criteria provided, single submitter. Criteria: Invitae Variant Classification Sherloc (09022015). Collection method: clinical testing. Allele origin: germline.
Comment: This sequence change replaces leucine, which is neutral and non-polar, with phenylalanine, which is neutral and non-polar, at codon 1211 of the MSH6 protein (p.Leu1211Phe). This variant is not present in population databases (gnomAD no frequency). This missense change has been observed in individual(s) with clinical features of Lynch syndrome (internal data). ClinVar contains an entry for this variant (Variation ID: 1470503). Invitae Evidence Modeling incorporating data from in vitro experimental studies (internal data) indicates that this missense variant is expected to disrupt MSH6 function with a positive predictive value of 95%. This variant disrupts the p.Leu1211 amino acid residue in MSH6. Other variant(s) that disrupt this residue have been determined to be pathogenic (PMID: 28874130, 31965077; internal data). This suggests that this residue is clinically significant, and that variants that disrupt this residue are likely to be disease-causing. In summary, the currently available evidence indicates that the variant is pathogenic, but additional data are needed to prove that conclusively. Therefore, this variant has been classified as Likely Pathogenic.

Literature cited by the submitters: PubMed 28874130; PubMed 31965077.